The following is an entry in ClinVar:

NM_006885.4(ZFHX3):c.4132C>T (p.Gln1378Ter)

Genes: ZFHX3 (zinc finger homeobox 3; minus strand), ZFHX3-AS1 (ZFHX3 antisense RNA 1; plus strand). Cytogenetic location: 16q22.2.
Variant type: single nucleotide variant.
Coding change: c.4132C>T on transcript NM_006885.4 (MANE Select); coding-DNA position 4132, C replaced by T.
Protein change: p.Gln1378Ter; replaces glutamine 1378 with a stop codon.
Molecular consequence: nonsense.
Genome position (GRCh38, 1-based): chr16:72,798,550, G>A on the plus strand (C>T on the coding strand, the complement: ZFHX3 is on the minus strand). VCF-style: chr16-72798550-G-A. GRCh37 (hg19) VCF-style: chr16-72832449-G-A.
Other names: c.1390C>T, p.Gln464Ter (NM_001164766.2); c.4132C>T, p.Gln1378Ter (NM_001386735.1); short protein forms Q1378*, Q464*.
Identifiers: ClinVar variation 4531619 (VCV004531619.1).
Genomic context (GRCh38, chr16:72,798,550, plus strand): 5'-CATGGCGATCTGACACCGGCAGCTGAGGCCTCTTGGCATGCACTTCATTAAAATGCGTCT[G>A]AAGGGCAGCAGAAGTTTTGAAAACCTGGTTGCACCCCTTCTTCCAGCAGATGAAGCCTGA-3'

ClinVar aggregate classification (germline): Pathogenic (1 of 4 stars; one submission).

Conditions:
Neurodevelopmental disorder. Identifiers: MedGen C1535926, MeSH D065886, MONDO:0700092.

Submission:

Victorian Clinical Genetics Services, Murdoch Childrens Research Institute
Classification: Pathogenic for Neurodevelopmental disorder. Last evaluated: 2025-05-28. Review status: criteria provided, single submitter. Criteria: ACMG Guidelines, 2015. Collection method: clinical testing. Allele origin: germline. Affected: yes.
Comment: This variant is classified as Pathogenic. Evidence in support of pathogenic classification: Variant is predicted to cause nonsense-mediated decay (NMD) and loss of protein (premature termination codon is located at least 54 nucleotides upstream of the final exon-exon junction); Variant is absent from gnomAD (v2, v3 and v4); Other NMD-predicted variants comparable to the one identified in this case have very strong previous evidence for pathogenicity. Many NMD-predicted variants have been reported in individuals with neurodevelopmental disorders (PMID: 38412861); Additional information: This variant is heterozygous; This gene is associated with both recessive and dominant disease (PMIDs: 38412861, 38508705); This variant has no previous evidence of pathogenicity; No published segregation evidence has been identified for this variant; No published functional evidence has been identified for this variant; Loss of function is a known mechanism of disease in this gene. Monoallelic loss of function variants are associated with neurodevelopmental disorder (MONDO:0700092), ZFHX3-related (PMID: 38412861). Biallelic variants are associated with developmental and epileptic encephalopathy (MONDO:0100062), ZFHX3-related (PMID: 38508705).

Literature cited by the submitters: PubMed 38508705; PubMed 38412861.